The following is an entry in ClinVar:

ClinVar aggregate classification (germline): Conflicting classifications of pathogenicity. Review status: criteria provided, conflicting classifications (1 of 4 stars). 12 submissions from 12 submitters: Uncertain significance (8); Likely benign (4). Last evaluated 2026-08-02.

Conditions:
MSH6-related disorder. Also called: MSH6-related condition; MSH6-Related disorders.
Mismatch repair cancer syndrome 3. Identifiers: MedGen C5436807, MONDO:0030841, OMIM 619097.
Hereditary nonpolyposis colorectal neoplasms. Identifiers: MedGen C0009405, MeSH D003123.
Breast and/or ovarian cancer. Identifiers: MedGen CN221562.
Hereditary cancer-predisposing syndrome. Also called: Tumor predisposition; Neoplastic Syndromes, Hereditary; Hereditary Cancer Syndrome; Hereditary neoplastic syndrome. Identifiers: Orphanet 140162, MedGen C0027672, MeSH D009386, MONDO:0015356.
Lynch syndrome. Identifiers: Orphanet 144, MedGen C4552100, MONDO:0005835. Disease mechanism: loss of function.
Lynch syndrome 5 (LYNCH5). Also called: Hereditary non-polyposis colorectal cancer, type 5; Colorectal cancer, hereditary nonpolyposis, type 5. Identifiers: Orphanet 144, MedGen C1833477, MONDO:0013710, OMIM 614350. Disease mechanism: loss of function.

Allele frequency attached by ClinVar (database versions not stated): gnomAD 0.00001; TOPMed 0.00001; ExAC 0.00002; gnomAD exomes 0.00002; ESP Exome Variant Server 0.00008.

Submissions (12):

PreventionGenetics, part of Exact Sciences
Classification: Uncertain significance for MSH6-related condition. Last evaluated: 2026-08-02. Review status: criteria provided, single submitter. Criteria: ACMG Guidelines, 2015. Collection method: clinical testing. Allele origin: germline.
Comment: The MSH6 c.980C>G variant is predicted to result in the amino acid substitution p.Thr327Ser. This variant has been reported in individuals with ovarian or pancreatic cancer (Table S1, Pal et al. 2012. PubMed ID: 23047549; Table S1, Grant et al. 2015. PubMed ID: 25479140). An MSH6-specific in silico tool predicts that this variant does not impact protein function (Table 8, Terui et al. 2013. PubMed: 23621914). This variant is reported in 0.0039% of alleles in individuals of European (Non-Finnish) descent in gnomAD and has conflicting interpretations in ClinVar ranging from likely benign to uncertain (Variation ID: 184803). Although we suspect that this variant may be benign, at this time, the clinical significance of this variant is uncertain due to the absence of conclusive functional and genetic evidence.

Labcorp Genetics (formerly Invitae), Labcorp
Classification: Likely benign for Hereditary nonpolyposis colorectal neoplasms. Last evaluated: 2025-10-07. Review status: criteria provided, single submitter. Criteria: Invitae Variant Classification Sherloc (09022015). Collection method: clinical testing. Allele origin: germline.

Color Diagnostics, LLC DBA Color Health
Classification: Uncertain significance for Hereditary cancer-predisposing syndrome. Last evaluated: 2025-03-04. Review status: criteria provided, single submitter. Criteria: ACMG Guidelines, 2015. Collection method: clinical testing. Allele origin: germline.
Comment: This missense variant replaces threonine with serine at codon 327 of the MSH6 protein. Computational prediction suggests that this variant may not impact protein structure and function. To our knowledge, functional studies have not been performed for this variant. This variant has been reported in individuals affected with ovarian cancer (PMID: 23047549), pancreatic cancer (PMID: 25479140), and unspecified cancer (PMID: 31391288). In a large breast cancer case control study, this variant was reported in 7/60466 cases and 3/53461 unaffected controls (PMID: 33471991). This variant has also been identified in 6/282796 chromosomes in the general population by the Genome Aggregation Database (gnomAD). The available evidence is insufficient to determine the role of this variant in disease conclusively. Therefore, this variant is classified as a Variant of Uncertain Significance.

Myriad Genetics, Inc.
Classification: Likely benign for Lynch syndrome 5. Last evaluated: 2024-12-20. Review status: criteria provided, single submitter. Criteria: Myriad Autosomal Dominant, Autosomal Recessive and X-Linked Classification Criteria (2023). Collection method: clinical testing. Allele origin: unknown.
Comment: This variant is considered likely benign. This variant is strongly associated with less severe personal and family histories of cancer, typical for individuals without pathogenic variants in this gene [PMID: 27363726].

CeGaT Center for Human Genetics Tuebingen
Classification: Likely benign. Last evaluated: 2024-03-01. Review status: criteria provided, single submitter. Criteria: CeGaT Center For Human Genetics Tuebingen Variant Classification Criteria Version 2. Collection method: clinical testing. Allele origin: germline. Affected: yes. Observed: 2 variant alleles.
Comment: MSH6: PM2:Supporting, BP1, BP4

Ambry Genetics
Classification: Likely benign for Hereditary cancer-predisposing syndrome. Last evaluated: 2024-02-12. Review status: criteria provided, single submitter. Criteria: Ambry Variant Classification Scheme 2023. Collection method: clinical testing. Allele origin: germline.

Department of Pathology and Laboratory Medicine, Sinai Health System
Classification: Uncertain significance for Mismatch repair cancer syndrome 3. Last evaluated: 2023-12-27. Review status: criteria provided, single submitter. Criteria: ACMG Guidelines, 2015. Collection method: clinical testing. Allele origin: germline. Affected: yes.

GeneDx
Classification: Uncertain significance. Last evaluated: 2023-12-06. Review status: criteria provided, single submitter. Criteria: GeneDx Variant Classification Process June 2021. Collection method: clinical testing. Allele origin: germline. Affected: yes.
Comment: Not observed at significant frequency in large population cohorts (gnomAD); In silico analysis supports that this missense variant does not alter protein structure/function; Observed in individuals with ovarian, pancreatic, or prostate cancer (PMID: 23047549, 25479140, 26689913); This variant is associated with the following publications: (PMID: 23621914, 25479140, 23047549, 21437237, 26689913)

All of Us Research Program, National Institutes of Health
Classification: Uncertain significance for Lynch syndrome. Last evaluated: 2023-10-27. Review status: criteria provided, single submitter. Criteria: ACMG Guidelines, 2015. Collection method: clinical testing. Allele origin: germline. Inheritance: Autosomal dominant inheritance. Observed: 5 variant alleles, 5 heterozygotes.
Comment: This missense variant replaces threonine with serine at codon 327 of the MSH6 protein. Computational prediction suggests that this variant may not impact protein structure and function (internally defined REVEL score threshold <= 0.5, PMID: 27666373). To our knowledge, functional studies have not been performed for this variant. This variant has been reported in individuals affected with ovarian cancer (PMID: 23047549), pancreatic cancer (PMID: 25479140), and unspecified cancer (PMID: 31391288). In a large breast cancer case control study, this variant was reported in 7/60466 cases and 3/53461 unaffected controls (PMID: 33471991). This variant has also been identified in 6/282796 chromosomes in the general population by the Genome Aggregation Database (gnomAD). The available evidence is insufficient to determine the role of this variant in disease conclusively. Therefore, this variant is classified as a Variant of Uncertain Significance.

This study involves interpretation of variants in research participants for the purpose of population health screening. Participant phenotype was not available at the time of variant classification. Additional details can be found in publication PMID: 35346344, PMCID: PMC8962531

Quest Diagnostics Nichols Institute San Juan Capistrano
Classification: Uncertain significance. Last evaluated: 2023-08-22. Review status: criteria provided, single submitter. Criteria: Quest Diagnostics criteria. Collection method: clinical testing. Allele origin: unknown.
Comment: In the published literature, this variant has been reported in individuals with ovarian cancer (PMID: 23047549 (2012)), a Lynch syndrome-associated cancer (PMID: 31391288 (2020)), and breast cancer (PMID: 33471991 (2021), see also LOVD. This variant has also been reported in unaffected individuals (PMID: 33471991 (2021), see also LOVD). The frequency of this variant in the general population, 0.000039 (5/129124 chromosomes (Genome Aggregation Database)), is uninformative in the assessment of its pathogenicity. Analysis of this variant using bioinformatics tools for the prediction of the effect of amino acid changes on protein structure and function yielded predictions that this variant is benign. Based on the available information, we are unable to determine the clinical significance of this variant.

Laboratorio de Genetica e Diagnostico Molecular, Hospital Israelita Albert Einstein
Classification: Uncertain significance for Lynch syndrome 5. Last evaluated: 2022-06-01. Review status: criteria provided, single submitter. Criteria: ACMG Guidelines, 2015. Collection method: clinical testing. Allele origin: germline. Affected: yes. Observed: 1 variant allele.
Comment: ACMG classification criteria: PS4 supporting, PM2 moderated, BP4 supporting

CHEO Genetics Diagnostic Laboratory, Children's Hospital of Eastern Ontario
Classification: Uncertain significance for Breast and/or ovarian cancer. Last evaluated: 2021-10-12. Review status: criteria provided, single submitter. Criteria: ACMG Guidelines, 2015. Collection method: clinical testing. Allele origin: germline.

Literature cited by the submitters: PubMed 23047549 (cited by 5 submitters); PubMed 25479140 (cited by 3 submitters); PubMed 31391288 (cited by 3 submitters); PubMed 33471991 (cited by 4 submitters); PubMed 27363726 (cited by Myriad Genetics, Inc.); PubMed 23621914 (cited by Ambry Genetics and Quest Diagnostics Nichols Institute San Juan Capistrano); PubMed 26689913 (cited by Department of Pathology and Laboratory Medicine, Sinai Health System).

NM_000179.3(MSH6):c.980C>G (p.Thr327Ser)

Gene: MSH6 (mutS homolog 6; plus strand). Cytogenetic location: 2p16.3.
Variant type: single nucleotide variant.
Coding change: c.980C>G on transcript NM_000179.3 (MANE Select); coding-DNA position 980, C replaced by G.
Protein change: p.Thr327Ser; replaces threonine 327 with serine.
Molecular consequence: missense variant.
Genome position (GRCh38, 1-based): chr2:47,798,963, C>G. VCF-style: chr2-47798963-C-G. GRCh37 (hg19) VCF-style: chr2-48026102-C-G.
Other names: c.590C>G, p.Thr197Ser (NM_001281492.2); c.74C>G, p.Thr25Ser (NM_001281493.2, NM_001281494.2); short protein forms T327S, T25S, T197S.
Identifiers: ClinVar variation 184803 (VCV000184803.59), dbSNP rs369568820, ClinGen allele CA016745.